The following is an entry in ClinVar:

ClinVar aggregate classification (germline): Uncertain significance. Review status: criteria provided, multiple submitters, no conflicts (2 of 4 stars). 2 submissions from 2 submitters: Uncertain significance (2). Last evaluated 2026-02-04.

Conditions:
Bethlem myopathy 1A. Also called: Bethlem Muscular Dystrophy; Bethlem myopathy 1; MYOPATHY, BENIGN CONGENITAL, WITH CONTRACTURES. Identifiers: Orphanet 610, MedGen CN029274, MONDO:0024530, OMIM 158810.

Allele frequency attached by ClinVar (database versions not stated): ExAC 0.00001; gnomAD 0.00001; gnomAD exomes 0.00001; TOPMed 0.00002.
gnomAD v4.1: 17 of 1,613,316 alleles (0.0011%); highest among the groups gnomAD compares: Admixed American, 0.0017%; no homozygotes.

Submissions (2):

Women's Health and Genetics/Laboratory Corporation of America, LabCorp
Classification: Uncertain significance. Last evaluated: 2026-02-04. Review status: criteria provided, single submitter. Criteria: LabCorp Variant Classification Summary - May 2015. Collection method: clinical testing. Allele origin: germline.
Comment: Variant summary: COL6A2 c.2452T>C (p.Cys818Arg) results in a non-conservative amino acid change in the encoded protein sequence. Algorithms developed to predict the effect of missense changes on protein structure and function all suggest that this variant is likely to be disruptive. The variant allele was found at a frequency of 8e-06 in 251108 control chromosomes. The available data on variant occurrences in the general population are insufficient to allow any conclusion about variant significance. To our knowledge, no occurrence of c.2452T>C in individuals affected with COL6A2-related conditions and no experimental evidence demonstrating its impact on protein function have been reported. ClinVar contains an entry for this variant (Variation ID: 2147595). Based on the evidence outlined above, the variant was classified as uncertain significance.

Labcorp Genetics (formerly Invitae), Labcorp
Classification: Uncertain significance for Bethlem myopathy 1A. Last evaluated: 2022-01-26. Review status: criteria provided, single submitter. Criteria: Invitae Variant Classification Sherloc (09022015). Collection method: clinical testing. Allele origin: germline.
Comment: This sequence change replaces cysteine, which is neutral and slightly polar, with arginine, which is basic and polar, at codon 818 of the COL6A2 protein (p.Cys818Arg). This variant is present in population databases (rs760252843, gnomAD 0.003%). This variant has not been reported in the literature in individuals affected with COL6A2-related conditions. Algorithms developed to predict the effect of missense changes on protein structure and function (SIFT, PolyPhen-2, Align-GVGD) all suggest that this variant is likely to be disruptive. In summary, the available evidence is currently insufficient to determine the role of this variant in disease. Therefore, it has been classified as a Variant of Uncertain Significance.

NM_001849.4(COL6A2):c.2452T>C (p.Cys818Arg)

Gene: COL6A2 (collagen type VI alpha 2 chain; plus strand). Cytogenetic location: 21q22.3.
Variant type: single nucleotide variant.
Coding change: c.2452T>C on transcript NM_001849.4 (MANE Select); coding-DNA position 2452, T replaced by C.
Protein change: p.Cys818Arg; replaces cysteine 818 with arginine.
Molecular consequence: missense variant.
Genome position (GRCh38, 1-based): chr21:46,126,532, T>C. VCF-style: chr21-46126532-T-C. GRCh37 (hg19) VCF-style: chr21-47546446-T-C.
Other names: c.2452T>C, p.Cys818Arg (NM_058174.3, NM_058175.3); short protein forms C818R.
Identifiers: ClinVar variation 2147595 (VCV002147595.5), dbSNP rs760252843, ClinGen allele CA10072627.